The following is an entry in ClinVar:

ClinVar aggregate classification (germline): Uncertain significance. Review status: criteria provided, multiple submitters, no conflicts (2 of 4 stars). 2 submissions from 2 submitters: Uncertain significance (2). Last evaluated 2025-08-24.

Conditions:
Hereditary cancer-predisposing syndrome. Also called: Hereditary Cancer Syndrome; Tumor predisposition; Hereditary neoplastic syndrome; Neoplastic Syndromes, Hereditary. Identifiers: Orphanet 140162, MedGen C0027672, MeSH D009386, MONDO:0015356.
Familial cancer of breast. Also called: hereditary breast carcinoma; Hereditary breast cancer; BREAST CANCER, FAMILIAL. Identifiers: Orphanet 227535, MedGen C0346153, MONDO:0016419, OMIM 114480. Disease mechanism: loss of function.

Submissions (2):

Ambry Genetics
Classification: Uncertain significance for Hereditary cancer-predisposing syndrome. Last evaluated: 2025-08-24. Review status: criteria provided, single submitter. Criteria: Ambry Variant Classification Scheme 2023. Collection method: clinical testing. Allele origin: germline.
Comment: The p.R8K variant (also known as c.23G>A), located in coding exon 1 of the BARD1 gene, results from a G to A substitution at nucleotide position 23. The arginine at codon 8 is replaced by lysine, an amino acid with highly similar properties. This amino acid position is conserved. In addition, this alteration is predicted to be tolerated by in silico analysis. Based on the available evidence, the clinical significance of this variant remains unclear.

Labcorp Genetics (formerly Invitae), Labcorp
Classification: Uncertain significance for Familial cancer of breast. Last evaluated: 2023-04-09. Review status: criteria provided, single submitter. Criteria: Invitae Variant Classification Sherloc (09022015). Collection method: clinical testing. Allele origin: germline.
Comment: In summary, the available evidence is currently insufficient to determine the role of this variant in disease. Therefore, it has been classified as a Variant of Uncertain Significance. An algorithm developed to predict the effect of missense changes on protein structure and function (PolyPhen-2) suggests that this variant is likely to be tolerated. ClinVar contains an entry for this variant (Variation ID: 1043854). This variant has not been reported in the literature in individuals affected with BARD1-related conditions. This variant is not present in population databases (gnomAD no frequency). This sequence change replaces arginine, which is basic and polar, with lysine, which is basic and polar, at codon 8 of the BARD1 protein (p.Arg8Lys).

NM_000465.4(BARD1):c.23G>A (p.Arg8Lys)

Gene: BARD1 (BRCA1 associated RING domain 1; minus strand). Cytogenetic location: 2q35.
Variant type: single nucleotide variant.
Coding change: c.23G>A on transcript NM_000465.4 (MANE Select); coding-DNA position 23, G replaced by A.
Protein change: p.Arg8Lys; replaces arginine 8 with lysine.
Molecular consequence: missense variant. On other transcripts: non-coding transcript variant (3).
Genome position (GRCh38, 1-based): chr2:214,809,547, C>T on the plus strand (G>A on the coding strand, the complement: BARD1 is on the minus strand). VCF-style: chr2-214809547-C-T. GRCh37 (hg19) VCF-style: chr2-215674271-C-T.
Other names: c.23G>A (NM_000465.2); c.23G>A, p.Arg8Lys (NM_001282543.2, NM_001282545.2, NM_001282548.2 and 1 more transcripts); short protein forms R8K.
Identifiers: ClinVar variation 1043854 (VCV001043854.10), dbSNP rs1696475444, ClinGen allele CA350465426.
Genomic context (GRCh38, chr2:214,809,547, plus strand): 5'-GGTTCCATGGCGGGCGCGGAACGAGGCTCGTTCCCGGAGCGGATCCTCGGCTGCCGGTTC[C>T]TCGGCTGCCGATTATCCGGCATCGTCCCGCCTTCGGATGAAAGGCTCCTCGCAGAGCGGG-3'
Protein context (NP_000456.2, residues 1-18): MPDNRQP[Arg8Lys]NRQPRIRSGN